The following is an entry in ClinVar:

NC_000017.10:g.(?_29527420)_(29527633_?)del

Gene: NF1 (neurofibromin 1; plus strand). Cytogenetic location: 17q11.2.
Variant type: Deletion.
Identifiers: ClinVar variation 2422712 (VCV002422712.4).

ClinVar aggregate classification (germline): Pathogenic (1 of 4 stars; one submission).

Conditions:
Neurofibromatosis, type 1 (NF1). Also called: Peripheral type neurofibromatosis; VON RECKLINGHAUSEN DISEASE; NEUROFIBROMATOSIS, TYPE I, SOMATIC; Neurofibromatosis, type I. Identifiers: Orphanet 636, MedGen C0027831, MONDO:0018975, OMIM 162200. Disease mechanism: loss of function.

Submission:

Labcorp Genetics (formerly Invitae), Labcorp
Classification: Pathogenic for Neurofibromatosis, type 1. Last evaluated: 2022-08-21. Review status: criteria provided, single submitter. Criteria: Invitae Variant Classification Sherloc (09022015). Collection method: clinical testing. Allele origin: germline.
Comment: This variant is a gross deletion of the genomic region encompassing exon(s) 9 of the NF1 gene. This variant would be expected to be in-frame, preserving the integrity of the reading frame. A similar copy number variant has been observed in individual(s) with clinical features of neurofibromatosis (PMID: 26189818). This variant disrupts a region of the NF1 protein in which other variant(s) (p.Ala330Pro) have been determined to be pathogenic (PMID: 17311297, 23758643, 27322474; SOURCE: 23913538). This suggests that this is a clinically significant region of the protein, and that variants that disrupt it are likely to be disease-causing. For these reasons, this variant has been classified as Pathogenic.

Literature cited by the submitters: PubMed 26189818; PubMed 17311297; PubMed 23758643; PubMed 27322474.